The following is an entry in ClinVar:

ClinVar aggregate classification (germline): Pathogenic/Likely pathogenic. Review status: criteria provided, multiple submitters, no conflicts (2 of 4 stars). 4 submissions from 4 submitters: Pathogenic (1); Likely pathogenic (2). 1 of the submissions does not count toward it. Last evaluated 2023-04-10.

Conditions:
Combined deficiency of sialidase AND beta galactosidase (GSL). Also called: CATHEPSIN A DEFICIENCY; GOLDBERG SYNDROME; NEURAMINIDASE DEFICIENCY WITH BETA-GALACTOSIDASE DEFICIENCY; NEURAMINIDASE/BETA-GALACTOSIDASE EXPRESSION; PPCA DEFICIENCY; PROTECTIVE PROTEIN/CATHEPSIN A DEFICIENCY. Identifiers: Orphanet 351, MedGen C0268233, MONDO:0009737, OMIM 256540.

Allele frequency attached by ClinVar (database versions not stated): gnomAD 0.00003; ExAC 0.00001; gnomAD exomes 0.00002; TOPMed 0.00002.
gnomAD v4.1: 34 of 1,613,572 alleles (0.0021%); highest among the groups gnomAD compares: Middle Eastern, 0.016%; no homozygotes.

Submissions (5):

Women's Health and Genetics/Laboratory Corporation of America, LabCorp
Classification: Likely pathogenic for Combined deficiency of sialidase AND beta galactosidase. Last evaluated: 2023-04-10. Review status: criteria provided, single submitter. Criteria: LabCorp Variant Classification Summary - May 2015. Collection method: clinical testing. Allele origin: germline.
Comment: Variant summary: CTSA c.601-2A>G is located in a canonical splice-site and is predicted to affect mRNA splicing resulting in a significantly altered protein due to either exon skipping, shortening, or inclusion of intronic material. Several computational tools predict a significant impact on normal splicing: Four predict the variant abolishes a 3 prime acceptor site. However, these predictions have yet to be confirmed by functional studies. The variant allele was found at a frequency of 2e-05 in 251438 control chromosomes. c.601-2A>G has been reported in the literature in at least one homozygous individual who may have Galactosialidosis (Alfares_2017, Trujillano_2017). These data indicate that the variant may be associated with disease. To our knowledge, no experimental evidence demonstrating an impact on protein function has been reported. Three clinical diagnostic laboratories have submitted clinical-significance assessments for this variant to ClinVar after 2014 without evidence for independent evaluation. All laboratories classified the variant as pathogenic/likely pathogenic. Based on the evidence outlined above, the variant was classified as likely pathogenic.

GeneDx
Classification: Pathogenic. Last evaluated: 2022-12-09. Review status: criteria provided, single submitter. Criteria: GeneDx Variant Classification Process June 2021. Collection method: clinical testing. Allele origin: germline. Affected: yes.
Comment: Canonical splice site variant predicted to result in a null allele in a gene for which loss of function is a known mechanism of disease; Not observed at significant frequency in large population cohorts (gnomAD); This variant is associated with the following publications: (PMID: 28454995)

Baylor Genetics
Classification: Likely pathogenic for Combined deficiency of sialidase AND beta galactosidase. Last evaluated: 2019-11-15. Review status: criteria provided, single submitter. Criteria: ACMG Guidelines, 2015. Collection method: clinical testing. Allele origin: unknown. Affected: yes.
Comment: This variant was determined to be likely pathogenic according to ACMG Guidelines, 2015 [PMID:25741868].

Biochemical Molecular Genetic Laboratory, King Abdulaziz Medical City
Classification: Likely pathogenic for Combined deficiency of sialidase AND beta galactosidase. Last evaluated: 2019-09-26. Review status: no assertion criteria provided. Collection method: clinical testing. Allele origin: germline. Affected: yes. Not counted in ClinVar's aggregate classification.

Dr. Peter K. Rogan Lab, Western University
No classification provided (evidence only). Condition: Thyroid cancer, nonmedullary, 1. Review status: no classification provided. Collection method: in vitro. Allele origin: not applicable. Functional consequence: skipped exon. Not counted in ClinVar's aggregate classification.

Literature cited by the submitters: PubMed 27848944 (cited by Women's Health and Genetics/Laboratory Corporation of America, LabCorp); PubMed 28454995 (cited by Women's Health and Genetics/Laboratory Corporation of America, LabCorp).

NM_000308.4(CTSA):c.601-2A>G

Gene: CTSA (cathepsin A; plus strand). Cytogenetic location: 20q13.12.
Variant type: single nucleotide variant.
Coding change: c.601-2A>G on transcript NM_000308.4 (MANE Select); the canonical splice acceptor site of the intron before coding-DNA position 601, A replaced by G.
Molecular consequence: splice acceptor variant.
Genome position (GRCh38, 1-based): chr20:45,893,218, A>G. VCF-style: chr20-45893218-A-G. GRCh37 (hg19) VCF-style: chr20-44521857-A-G.
Other names: NC_000020.10:g.44521857A>G; c.601-2A>G (NM_001127695.3); c.550-2A>G (NM_001167594.3).
Identifiers: ClinVar variation 800944 (VCV000800944.7), dbSNP rs778159802, ClinGen allele CA9883100.